The following is an entry in ClinVar:

ClinVar aggregate classification (germline): Uncertain significance (1 of 4 stars; one submission).

Submission:

GeneDx
Classification: Uncertain significance. Last evaluated: 2020-10-29. Review status: criteria provided, single submitter. Criteria: GeneDx Variant Classification Process June 2021. Collection method: clinical testing. Allele origin: germline. Affected: yes.
Comment: Not observed in large population cohorts (Lek et al., 2016); In silico analysis supports that this missense variant has a deleterious effect on protein structure/function; Has not been previously published as pathogenic or benign to our knowledge

NM_004700.4(KCNQ4):c.680T>C (p.Leu227Pro)

Gene: KCNQ4 (potassium voltage-gated channel subfamily Q member 4; plus strand). Cytogenetic location: 1p34.2.
Variant type: single nucleotide variant.
Coding change: c.680T>C on transcript NM_004700.4 (MANE Select); coding-DNA position 680, T replaced by C.
Protein change: p.Leu227Pro; replaces leucine 227 with proline.
Molecular consequence: missense variant.
Genome position (GRCh38, 1-based): chr1:40,818,652, T>C. VCF-style: chr1-40818652-T-C. GRCh37 (hg19) VCF-style: chr1-41284324-T-C.
Other names: c.680T>C, p.Leu227Pro (NM_172163.3); short protein forms L227P.
Identifiers: ClinVar variation 1313583 (VCV001313583.2), dbSNP rs2148318437, ClinGen allele CA339894786.
Genomic context (GRCh38, chr1:40,818,652, plus strand): 5'-GCTTCCTGCAGATCCTGCGCATGGTGCGCATGGACCGCCGCGGCGGCACCTGGAAGCTGC[T>C]GGGCTCAGTGGTCTACGCGCATAGCAAGGTGAGGCCTGCAAGCCGCGCGCGGAGACCCGA-3'
Protein context (NP_004691.2, residues 217-237): MDRRGGTWKL[Leu227Pro]GSVVYAHSKE